The following is an entry in ClinVar:

NM_006231.4(POLE):c.6355A>G (p.Thr2119Ala)

Gene: POLE (DNA polymerase epsilon, catalytic subunit; minus strand). Cytogenetic location: 12q24.33.
Variant type: single nucleotide variant.
Coding change: c.6355A>G on transcript NM_006231.4 (MANE Select); coding-DNA position 6355, A replaced by G.
Protein change: p.Thr2119Ala; replaces threonine 2119 with alanine.
Molecular consequence: missense variant.
Genome position (GRCh38, 1-based): chr12:132,626,293, T>C on the plus strand (A>G on the coding strand, the complement: POLE is on the minus strand). VCF-style: chr12-132626293-T-C. GRCh37 (hg19) VCF-style: chr12-133202879-T-C.
Other names: short protein forms T2119A.
Identifiers: ClinVar variation 2447927 (VCV002447927.2), dbSNP rs2541842569, ClinGen allele CA387367846.

ClinVar aggregate classification (germline): Uncertain significance (1 of 4 stars; one submission).

Conditions:
Hereditary cancer-predisposing syndrome. Also called: Neoplastic Syndromes, Hereditary; Hereditary Cancer Syndrome; Tumor predisposition; Hereditary neoplastic syndrome. Identifiers: Orphanet 140162, MedGen C0027672, MeSH D009386, MONDO:0015356.

Submission:

Ambry Genetics
Classification: Uncertain significance for Hereditary cancer-predisposing syndrome. Last evaluated: 2022-12-07. Review status: criteria provided, single submitter. Criteria: Ambry Variant Classification Scheme 2023. Collection method: clinical testing. Allele origin: germline.
Comment: The p.T2119A variant (also known as c.6355A>G), located in coding exon 46 of the POLE gene, results from an A to G substitution at nucleotide position 6355. The threonine at codon 2119 is replaced by alanine, an amino acid with similar properties. This amino acid position is conserved. In addition, this alteration is predicted to be tolerated by in silico analysis. Since supporting evidence is limited at this time, the clinical significance of this alteration remains unclear.